The following continues an entry in ClinVar:

NM_000059.4(BRCA2):c.6275_6276del (p.Leu2092fs)

Gene: BRCA2. ClinVar aggregate classification (germline): Pathogenic. Pathogenic (1).

Submissions 25 to 41 of 60:

Baylor Genetics
Classification: Pathogenic for Familial cancer of breast. Last evaluated: 2024-03-10. Review status: criteria provided, single submitter. Criteria: ACMG Guidelines, 2015. Collection method: clinical testing. Allele origin: unknown. Not counted in ClinVar's aggregate classification.

St. Jude Molecular Pathology, St. Jude Children's Research Hospital
Classification: Pathogenic for Breast-ovarian cancer, familial, susceptibility to, 2. Last evaluated: 2023-07-26. Review status: criteria provided, single submitter. Criteria: St. Jude Assertion Criteria 2020. Collection method: clinical testing. Allele origin: germline. Not counted in ClinVar's aggregate classification.
Comment: The BRCA2 c.6275_6276del (p.Leu2092ProfsTer7) change causes a frameshift and the creation of a premature stop codon. This change is predicted to cause protein truncation or absence of the protein due to nonsense mediated decay. This variant has been reported in several individuals with breast and/or ovarian cancer (PMID: 11359068, 21324516, 22006311, 22009639, 26026974, 26041759, 27153395, 29335925, 29566657). It has a maximum subpopulation frequency of 0.0059% in gnomAD v2.1.1. This variant is also known as 6503delTT in the literature. In summary, this variant meets criteria to be classified as pathogenic.

Quest Diagnostics Nichols Institute San Juan Capistrano
Classification: Pathogenic. Last evaluated: 2023-05-16. Review status: criteria provided, single submitter. Criteria: Quest Diagnostics criteria. Collection method: clinical testing. Allele origin: unknown. Not counted in ClinVar's aggregate classification.
Comment: This variant alters the translational reading frame of the BRCA2 mRNA and causes the premature termination of BRCA2 protein synthesis. In the published literature, this variant has been reported in individuals with hereditary breast and ovarian cancer (PMID: 27153395 (2016), 11359068 (2001), 12955716 (2003), 21324516 (2011), 22006311 (2011), 22009639 (2012), 23199084 (2010), 26026974 (2015), 26041759 (2015), 29566657 (2018), 29625052 (2018), 8524414 (1995)), male breast cancer (PMID: 29335925(2018)) and prostate cancer (PMID: 20736950 (2010), 29915322 (2018)). In a large scale breast cancer association study, the variant was observed among the breast cancer cases as well as in unaffected individuals (PMID: 33471991 (2021)). The frequency of this variant in the general population, 0.000081 (4/49646 chromosomes (Genome Aggregation Database)), is uninformative in the assessment of its pathogenicity. Based on the available information, this variant is classified as pathogenic.

CHEO Genetics Diagnostic Laboratory, Children's Hospital of Eastern Ontario
Classification: Pathogenic for Breast and/or ovarian cancer. Last evaluated: 2023-01-06. Review status: criteria provided, single submitter. Criteria: ACMG Guidelines, 2015. Collection method: clinical testing. Allele origin: germline. Not counted in ClinVar's aggregate classification.

MGZ Medical Genetics Center
Classification: Pathogenic for Breast-ovarian cancer, familial, susceptibility to, 2. Last evaluated: 2022-07-18. Review status: criteria provided, single submitter. Criteria: ACMG Guidelines, 2015. Collection method: clinical testing. Allele origin: germline. Affected: yes. Observed: 1 variant allele. Not counted in ClinVar's aggregate classification.
Comment: ACMG criteria applied: PVS1, PS4, PM2_SUP

Clinical Genetics Laboratory, Skane University Hospital Lund
Classification: Pathogenic. Last evaluated: 2022-05-27. Review status: criteria provided, single submitter. Criteria: ACMG Guidelines, 2015. Collection method: clinical testing. Allele origin: germline. Affected: yes. Not counted in ClinVar's aggregate classification.

National Institute of Allergy and Infectious Diseases - Centralized Sequencing Program, National Institutes of Health
Classification: Pathogenic for Hereditary breast and ovarian cancer syndrome. Last evaluated: 2021-08-06. Review status: criteria provided, single submitter. Criteria: ACMG Guidelines, 2015. Collection method: clinical testing. Allele origin: germline. Affected: yes. Not counted in ClinVar's aggregate classification.

GeneDx
Classification: Pathogenic. Last evaluated: 2020-05-04. Review status: criteria provided, single submitter. Criteria: GeneDx Variant Classification Process June 2021. Collection method: clinical testing. Allele origin: germline. Affected: yes. Not counted in ClinVar's aggregate classification.
Comment: Frameshift variant predicted to result in protein truncation or nonsense mediated decay in a gene for which loss-of-function is a known mechanism of disease; Not observed at a significant frequency in large population cohorts (Lek et al., 2016); Truncating variants in this gene are considered pathogenic by a well-established clinical consortium and/or database; Observed in multiple individuals with a personal or family history consistent with pathogenic variants in this gene (Wooster 1995, Edwards 2010, Walsh 2011, Zhang 2011, Bayraktar 2012, Higgs 2015); Also known as 6503delTT; This variant is associated with the following publications: (PMID: 16644204, 26026974, 20002770, 22460208, 10782928, 17850627, 10090482, 15131399, 28392550, 26295337, 29566657, 30630528, 30267214, 24830819, 26041759, 22009639, 22006311, 21324516, 20736950, 8524414, 26843898, 25330149, 16616110, 21993507, 17636422, 26586665, 25884701, 20104584, 14984974, 24156927, 23479189, 20859677, 11039575, 9585608, 9792861, 11453973, 11359068, 10486320, 16905680, 15689453, 17591843, 9537231, 16079000, 11179017, 27225637, 27356891, 28127413, 28301456, 27836010, 27153395, 25085752, 28918466, 12955716, 12698193, 9585613, 12161611, 10227398, 8896551, 23199084, 11597388, 29335925, 29422015, 29915322, 29909963, 30720243, 30322717, 30093976, 31090900, 30612635, 29945567, 32255556, 29625052, 31447099)

Laboratory for Molecular Medicine, Mass General Brigham Personalized Medicine
Classification: Pathogenic for Hereditary breast ovarian cancer syndrome. Last evaluated: 2019-02-08. Review status: criteria provided, single submitter. Criteria: ACMG Guidelines, 2015. Collection method: clinical testing. Allele origin: germline. Inheritance: Autosomal dominant inheritance. Not counted in ClinVar's aggregate classification.
Comment: The p.Leu2092ProfsX7 variant in BRCA2 has been reported >100 individuals with BRCA2-associated cancer (Breast Information Core Database (BIC)); Bayraktar 2012, de Juan 2015, Edwards 2010, Fostira 2018, Mijuskovic 2018, Walsh 2011, Wang 2018, Whitworth 2018, Wooster 1995, Zhang 2011). In addition, the p.Leu2080X variant was classified as Pathogenic on Apr 22, 2016 by the ClinGen-approved ENIGMA expert panel (ClinVar SCV000282422.1) and has been suggested to be a European founder mutation (Janavicius 2010). This variant has been identified in 0.005% (6/124234) of European chromosomes by the Genome Aggregation Database (gnomAD. It is predicted to cause a frameshift, which alters the protein’s amino acid sequence beginning at position 2092 and leads to a premature termination codon 7 amino acids downstream. This alteration is then predicted to lead to a truncated or absent protein. Heterozygous loss of function of the BRCA2 gene is an established disease mechanism in hereditary breast and ovarian cancer (HBOC). In summary, this variant meets criteria to be classified as pathogenic for HBOC in an autosomal dominant manner. ACMG/AMP Criteria applied: PVS1, PS4, PM2.

Eurofins Ntd Llc (ga)
Classification: Pathogenic. Last evaluated: 2018-05-25. Review status: criteria provided, single submitter. Criteria: EGL ClinVar v180209 classification definitions. Collection method: clinical testing. Allele origin: germline. Observed: 3 variant alleles, 3 heterozygotes. Not counted in ClinVar's aggregate classification.

Genetic Services Laboratory, University of Chicago
Classification: Pathogenic. Last evaluated: 2018-05-18. Review status: criteria provided, single submitter. Criteria: ACMG Guidelines, 2015. Collection method: clinical testing. Allele origin: germline. Affected: yes. Not counted in ClinVar's aggregate classification.

Institute of Human Genetics, University of Leipzig Medical Center
Classification: Pathogenic for Breast-ovarian cancer, familial, susceptibility to, 2. Last evaluated: 2018-02-14. Review status: criteria provided, single submitter. Criteria: ACMG Guidelines, 2015. Collection method: clinical testing. Allele origin: germline. Affected: yes. Observed: 1 variant allele. Not counted in ClinVar's aggregate classification.

Academic Department of Medical Genetics, University of Cambridge
Classification: Likely pathogenic for Hereditary cancer-predisposing syndrome. Last evaluated: 2018-01-26. Review status: criteria provided, single submitter. Criteria: ACMG Guidelines, 2015. Collection method: research. Allele origin: germline. Affected: yes. Observed: 1 heterozygote. Not counted in ClinVar's aggregate classification.
Comment: Application of AMCG guidelines 2015. Used other ClinVar submission evidence where relevant. Loss of heterozygosity in tumours or immunohistochemistry abnormalities considered functional evidence of pathogenicity.

Identified as part of research study of individuals with multiple primary tumours referred for genetic assessment

Human Genome Sequencing Center Clinical Lab, Baylor College of Medicine
Classification: Pathogenic for Breast-ovarian cancer, familial, susceptibility to, 2. Last evaluated: 2017-10-12. Review status: criteria provided, single submitter. Criteria: ACMG Guidelines, 2015. Collection method: clinical testing. Allele origin: germline. Not counted in ClinVar's aggregate classification.
Comment: This c.6275_6276del (p.Leu2092Profs*7) variant in exon 11 of the BRCA2 gene is a deletion of 2 nucleotides and is predicted to cause loss of function of normal protein through mRNA decay or producing a truncated protein, which is a known disease mechanism for this gene. This particular variant (also known as 6503delTT) has been reported in multiple individuals affected with breast, ovarian, and prostate cancer (PMID: 8524414, 22009639, 21324516, 22006311, 20736950, 23199084). The c.6275_6276del (p.Leu2092Profs*7) variant in BRCA2 gene is classified as pathogenic (Atteeq Rehman 10-12-2017).

Department of Pathology and Molecular Medicine, Queen's University
Classification: Pathogenic for Hereditary breast ovarian cancer syndrome. Last evaluated: 2017-04-20. Review status: criteria provided, single submitter. Criteria: ACMG Guidelines, 2015. Collection method: clinical testing. Allele origin: germline. Study: The Canadian Open Genetics Repository (COGR). Not counted in ClinVar's aggregate classification.

Cancer Genetics and Genomics Laboratory, British Columbia Cancer Agency
Classification: Pathogenic for Hereditary breast ovarian cancer syndrome. Last evaluated: 2017-04-18. Review status: criteria provided, single submitter. Criteria: ACMG Guidelines, 2015. Collection method: clinical testing. Allele origin: germline. Study: The Canadian Open Genetics Repository (COGR). Not counted in ClinVar's aggregate classification.

Genologica Medica
Classification: Pathogenic for Breast-ovarian cancer, familial, susceptibility to, 2. Last evaluated: 2017-01-01. Review status: criteria provided, single submitter. Criteria: ACMG Guidelines, 2015. Collection method: clinical testing. Allele origin: germline. Affected: yes. Not counted in ClinVar's aggregate classification.